The following is an entry in ClinVar:

NM_001206927.2(DNAH8):c.8635_8636del (p.Asp2879fs)

Gene: DNAH8 (dynein axonemal heavy chain 8; plus strand). Cytogenetic location: 6p21.2.
Variant type: Microsatellite.
Coding change: c.8635_8636del on transcript NM_001206927.2 (MANE Select); coding-DNA positions 8635 to 8636, 2 bases deleted (GA; older notation c.8635_8636delGA).
Protein change: p.Asp2879fs; shifts the reading frame from aspartic acid 2879.
Molecular consequence: frameshift variant.
Genome position (GRCh38, 1-based): chr6:38,894,752-38,894,753, GA deleted; deleting any 2 consecutive bases within chr6:38,894,750-38,894,753 gives the same sequence; the c. name uses the placement nearest the transcript's 3' end. VCF-style (leftmost placement, unchanged base first): chr6-38894749-CGA-C. GRCh37 (hg19) VCF-style: chr6-38862525-CGA-C.
Other names: c.7984_7985del, p.Asp2662fs (NM_001371.4); short protein forms D2662fs, D2879fs.
Identifiers: ClinVar variation 2037549 (VCV002037549.4), dbSNP rs753926744, ClinGen allele CA3790259.

ClinVar aggregate classification (germline): Pathogenic (1 of 4 stars; one submission).

Conditions:
Primary ciliary dyskinesia. Also called: Ciliary dyskinesia. Identifiers: Orphanet 244, MedGen C0008780, MONDO:0016575, HP:0012265.

Submission:

Labcorp Genetics (formerly Invitae), Labcorp
Classification: Pathogenic for Primary ciliary dyskinesia. Last evaluated: 2024-09-09. Review status: criteria provided, single submitter. Criteria: Invitae Variant Classification Sherloc (09022015). Collection method: clinical testing. Allele origin: germline.
Comment: This sequence change creates a premature translational stop signal (p.Asp2879Serfs*14) in the DNAH8 gene. It is expected to result in an absent or disrupted protein product. Loss-of-function variants in DNAH8 are known to be pathogenic (PMID: 24307375, 32619401, 32681648). This variant is present in population databases (rs753926744, gnomAD 0.01%). This variant has not been reported in the literature in individuals affected with DNAH8-related conditions. For these reasons, this variant has been classified as Pathogenic.

Literature cited by the submitters: PubMed 24307375; PubMed 32619401; PubMed 32681648.